The following is an entry in ClinVar:

ClinVar aggregate classification (germline): Uncertain significance (1 of 4 stars; one submission).

Conditions:
Cardiovascular phenotype. Identifiers: MedGen CN230736.

Allele frequency attached by ClinVar (database versions not stated): gnomAD exomes below 0.00001.
gnomAD v4.1: 1 of 1,363,790 alleles (0.000073%); highest among the groups gnomAD compares: Non-Finnish European, 0.000094%; no homozygotes.

Submission:

Ambry Genetics
Classification: Uncertain significance for Cardiovascular phenotype. Last evaluated: 2024-02-06. Review status: criteria provided, single submitter. Criteria: Ambry Variant Classification Scheme 2023. Collection method: clinical testing. Allele origin: germline.
Comment: The p.P75L variant (also known as c.224C>T), located in coding exon 1 of the SNTA1 gene, results from a C to T substitution at nucleotide position 224. The proline at codon 75 is replaced by leucine, an amino acid with similar properties. This amino acid position is conserved. In addition, this alteration is predicted to be tolerated by in silico analysis. Based on the available evidence, the clinical significance of this alteration remains unclear.

NM_003098.3(SNTA1):c.224C>T (p.Pro75Leu)

Gene: SNTA1 (syntrophin alpha 1; minus strand). Cytogenetic location: 20q11.21.
Variant type: single nucleotide variant.
Coding change: c.224C>T on transcript NM_003098.3 (MANE Select); coding-DNA position 224, C replaced by T.
Protein change: p.Pro75Leu; replaces proline 75 with leucine.
Molecular consequence: missense variant.
Genome position (GRCh38, 1-based): chr20:33,443,397, G>A on the plus strand (C>T on the coding strand, the complement: SNTA1 is on the minus strand). VCF-style: chr20-33443397-G-A. GRCh37 (hg19) VCF-style: chr20-32031203-G-A.
Other names: c.224C>T, p.Pro75Leu (NM_001424413.1, NM_001424414.1); short protein forms P75L.
Identifiers: ClinVar variation 3223117 (VCV003223117.1), dbSNP rs1273056602, ClinGen allele CA408634120.
Genomic context (GRCh38, chr20:33,443,397, plus strand): 5'-GCGTCGGCCTTGCGCACCGTCACGCGGCGCCGCTGGAGCAGTAGCGCCTCTGGCAGCTGC[G>A]GGGGCCCGGCGCCCGGCTCCGCGGCGCCGTTGAGCTGCGCGGGCTCCTGCTCCCGCGGAG-3'
Protein context (NP_003089.1, residues 65-85): NGAAEPGAGP[Pro75Leu]QLPEALLLQR